The following is an entry in ClinVar:

NM_005422.4(TECTA):c.1485A>G (p.Ala495=)

Genes: TECTA (tectorin alpha; plus strand), TBCEL-TECTA (TBCEL-TECTA readthrough; plus strand). Cytogenetic location: 11q23.3.
Variant type: single nucleotide variant.
Coding change: c.1485A>G on transcript NM_005422.4 (MANE Select); coding-DNA position 1485, A replaced by G.
Protein change: p.Ala495=; no amino-acid change (alanine 495 retained).
Molecular consequence: synonymous variant.
Genome position (GRCh38, 1-based): chr11:121,125,583, A>G. VCF-style: chr11-121125583-A-G. GRCh37 (hg19) VCF-style: chr11-120996292-A-G.
Other names: p.Ala495=; c.2442A>G, p.Ala814= (NM_001378761.1).
Identifiers: ClinVar variation 45315 (VCV000045315.27), dbSNP rs536069, ClinGen allele CA136020.

ClinVar aggregate classification (germline): Benign. Review status: criteria provided, multiple submitters, no conflicts (2 of 4 stars). 12 submissions from 10 submitters: Benign (10). 2 of the submissions do not count toward it. Last evaluated 2026-02-04.

Conditions:
Autosomal recessive nonsyndromic hearing loss 21. Identifiers: Orphanet 90636, MedGen C1863655, MONDO:0011351, OMIM 603629.
Autosomal dominant nonsyndromic hearing loss 12. Also called: DEAFNESS, AUTOSOMAL DOMINANT 8. Identifiers: Orphanet 90635, MedGen C1832187, MONDO:0011102, OMIM 601543.

Allele frequency attached by ClinVar (database versions not stated): gnomAD exomes 0.70262 and 0.70333; ExAC 0.71165; gnomAD 0.75690 and 0.76077; TOPMed 0.75741; ESP Exome Variant Server 0.77069; 1000 Genomes Project 0.77216; 1000 Genomes Project 30x 0.77577.
gnomAD v4.1: 1,142,468 of 1,613,962 alleles (71%); highest among the groups gnomAD compares: African/African-American, 93%; 407,423 homozygotes.

Submissions (12):

Labcorp Genetics (formerly Invitae), Labcorp
Classification: Benign. Last evaluated: 2026-02-04. Review status: criteria provided, single submitter. Criteria: Invitae Variant Classification Sherloc (09022015). Collection method: clinical testing. Allele origin: germline.

Genome-Nilou Lab
Classification: Benign for Autosomal dominant nonsyndromic hearing loss 12. Last evaluated: 2021-09-10. Review status: criteria provided, single submitter. Criteria: ACMG Guidelines, 2015. Collection method: clinical testing. Allele origin: germline. Affected: no.

Genome-Nilou Lab
Classification: Benign for Autosomal recessive nonsyndromic hearing loss 21. Last evaluated: 2021-09-10. Review status: criteria provided, single submitter. Criteria: ACMG Guidelines, 2015. Collection method: clinical testing. Allele origin: germline. Affected: no.

Mayo Clinic Laboratories, Mayo Clinic
Classification: Benign. Last evaluated: 2020-07-02. Review status: criteria provided, single submitter. Criteria: ACMG Guidelines, 2015. Collection method: clinical testing. Allele origin: germline. Observed: 149 variant alleles.

Illumina Laboratory Services, Illumina
Classification: Benign for Autosomal recessive nonsyndromic hearing loss 21. Last evaluated: 2018-01-13. Review status: criteria provided, single submitter. Criteria: ICSL Variant Classification Criteria 13 December 2019. Collection method: clinical testing. Allele origin: germline.
Comment: This variant was observed in the ICSL laboratory as part of a predisposition screen in an ostensibly healthy population. It had not been previously curated by ICSL or reported in the Human Gene Mutation Database (HGMD: prior to June 1st, 2018), and was therefore a candidate for classification through an automated scoring system. Utilizing variant allele frequency, disease prevalence and penetrance estimates, and inheritance mode, an automated score was calculated to assess if this variant is too frequent to cause the disease. Based on the score and internal cut-off values, a variant classified as benign is not then subjected to further curation. The score for this variant resulted in a classification of benign for this disease.

Illumina Laboratory Services, Illumina
Classification: Benign for Autosomal dominant nonsyndromic hearing loss 12. Last evaluated: 2018-01-13. Review status: criteria provided, single submitter. Criteria: ICSL Variant Classification Criteria 13 December 2019. Collection method: clinical testing. Allele origin: germline.
Comment: the same text as in the submission from Illumina Laboratory Services, Illumina above.

GeneDx
Classification: Benign. Last evaluated: 2017-05-09. Review status: criteria provided, single submitter. Criteria: GeneDx Variant Classification (06012015). Collection method: clinical testing. Allele origin: germline. Affected: yes.
Comment: This variant is considered likely benign or benign based on one or more of the following criteria: it is a conservative change, it occurs at a poorly conserved position in the protein, it is predicted to be benign by multiple in silico algorithms, and/or has population frequency not consistent with disease.

Laboratory for Molecular Medicine, Mass General Brigham Personalized Medicine
Classification: Benign. Last evaluated: 2012-05-07. Review status: criteria provided, single submitter. Criteria: LMM Criteria. Collection method: clinical testing. Allele origin: germline. Observed: 1,486 variant alleles.
Comment: "Ala495Ala in Exon 07 of TECTA: This variant is not expected to have clinical si gnificance because it does not alter an amino acid residue, is not located withi n the splice consensus sequence, and has been identified in 31.0% (2176/7020) of European American chromosomes from a broad population by the NHLBI Exome Sequen cing Project (dbSNP rs536069)."

Breakthrough Genomics
Classification: Benign. Review status: criteria provided, single submitter. Criteria: ACMG Guidelines, 2015. Collection method: not provided. Allele origin: germline. Inheritance: Autosomal recessive inheritance. Affected: yes.

PreventionGenetics, part of Exact Sciences
Classification: Benign. Review status: criteria provided, single submitter. Criteria: ACMG Guidelines, 2015. Collection method: clinical testing. Allele origin: germline.

Diagnostic Laboratory, Department of Genetics, University Medical Center Groningen
Classification: Benign. Review status: no assertion criteria provided. Collection method: clinical testing. Allele origin: germline. Affected: yes. Study: VKGL Data-share Consensus. Not counted in ClinVar's aggregate classification.

Joint Genome Diagnostic Labs from Nijmegen and Maastricht, Radboudumc and MUMC+
Classification: Benign. Review status: no assertion criteria provided. Collection method: clinical testing. Allele origin: germline. Affected: yes. Study: VKGL Data-share Consensus. Not counted in ClinVar's aggregate classification.